The following is an entry in ClinVar:

NM_007078.3(LDB3):c.469G>C (p.Glu157Gln)

Gene: LDB3 (LIM domain binding 3; plus strand). Cytogenetic location: 10q23.2.
Variant type: single nucleotide variant.
Coding change: c.469G>C on transcript NM_007078.3 (MANE Select); coding-DNA position 469, G replaced by C.
Protein change: p.Glu157Gln; replaces glutamic acid 157 with glutamine.
Molecular consequence: missense variant. On other transcripts: intron variant (5).
Genome position (GRCh38, 1-based): chr10:86,681,583, G>C. VCF-style: chr10-86681583-G-C. GRCh37 (hg19) VCF-style: chr10-88441340-G-C.
Other names: c.321+1426G>C (NM_001368068.1, NM_001368066.1, NM_001080114.2 and 2 more transcripts); c.469G>C, p.Glu157Gln (NM_001080115.2, NM_001171610.2, NM_001171611.2 and 3 more transcripts); short protein forms E157Q.
Identifiers: ClinVar variation 3679389 (VCV003679389.2).
Genomic context (GRCh38, chr10:86,681,583, plus strand): 5'-GAGCTCAGGCCCACCTTTAGCCCTGCCTTCTCCCGGCCCTCCGCCTTCTCCTCACTCGCC[G>C]AGGCCTCTGACCCTGGCCCTCCGCGGGCCAGCCTGAGGGCCAAGACCAGCCCAGAGGGGG-3'
Protein context (NP_009009.1, residues 147-167): SRPSAFSSLA[Glu157Gln]ASDPGPPRAS

ClinVar aggregate classification (germline): Uncertain significance (1 of 4 stars; one submission).

Conditions:
Myofibrillar myopathy 4. Also called: Zaspopathy (type). Identifiers: Orphanet 98912, MedGen C4721886, MONDO:0012277, OMIM 609452.

Submission:

Labcorp Genetics (formerly Invitae), Labcorp
Classification: Uncertain significance for Myofibrillar myopathy 4. Last evaluated: 2024-01-26. Review status: criteria provided, single submitter. Criteria: Invitae Variant Classification Sherloc (09022015). Collection method: clinical testing. Allele origin: germline.
Comment: The LDB3 gene has multiple clinically relevant transcripts. This variant occurs in alternate transcript NM_007078.3, and corresponds to NM_001080116.1:c.321+1426G>C in the primary transcript. This sequence change replaces glutamic acid, which is acidic and polar, with glutamine, which is neutral and polar, at codon 157 of the LDB3 protein (p.Glu157Gln). This variant is present in population databases (rs770678454, gnomAD 0.02%), including at least one homozygous and/or hemizygous individual. This variant has not been reported in the literature in individuals affected with LDB3-related conditions. Experimental studies and prediction algorithms are not available or were not evaluated, and the functional significance of this variant is currently unknown. Algorithms developed to predict the effect of sequence changes on RNA splicing suggest that this variant is not likely to affect RNA splicing. In summary, the available evidence is currently insufficient to determine the role of this variant in disease. Therefore, it has been classified as a Variant of Uncertain Significance.